The following is an entry in ClinVar:

NM_032237.5(POMK):c.874C>T (p.Leu292Phe)

Gene: POMK (protein O-mannose kinase; plus strand). Cytogenetic location: 8p11.21.
Variant type: single nucleotide variant.
Coding change: c.874C>T on transcript NM_032237.5 (MANE Select); coding-DNA position 874, C replaced by T.
Protein change: p.Leu292Phe; replaces leucine 292 with phenylalanine.
Molecular consequence: missense variant.
Genome position (GRCh38, 1-based): chr8:43,122,698, C>T. VCF-style: chr8-43122698-C-T. GRCh37 (hg19) VCF-style: chr8-42977841-C-T.
Other names: c.874C>T, p.Leu292Phe (NM_001277971.2); short protein forms L292F.
Identifiers: ClinVar variation 947914 (VCV000947914.1), dbSNP rs1811947580, ClinGen allele CA371122869.

ClinVar aggregate classification (germline): Uncertain significance (1 of 4 stars; one submission).

Conditions:
Limb-girdle muscular dystrophy due to POMK deficiency. Also called: MUSCULAR DYSTROPHY-DYSTROGLYCANOPATHY, LIMB-GIRDLE, POMK-RELATED; Muscular dystrophy-dystroglycanopathy (limb-girdle), type c, 12. Identifiers: Orphanet 445110, MedGen C4015184, MONDO:0014489, OMIM 616094.
Muscular dystrophy-dystroglycanopathy (congenital with brain and eye anomalies), type a, 12 (MDDGA12). Also called: WALKER-WARBURG SYNDROME OR MUSCLE-EYE-BRAIN DISEASE, POMK-RELATED. Identifiers: Orphanet 899, MedGen C3808964, MONDO:0014101, OMIM 615249.

Submission:

Labcorp Genetics (formerly Invitae), Labcorp
Classification: Uncertain significance for Muscular dystrophy-dystroglycanopathy (congenital with brain and eye anomalies), type a, 12; Muscular dystrophy-dystroglycanopathy (limb-girdle), type c, 12. Last evaluated: 2019-08-13. Review status: criteria provided, single submitter. Criteria: Invitae Variant Classification Sherloc (09022015). Collection method: clinical testing. Allele origin: germline.
Comment: This sequence change replaces leucine with phenylalanine at codon 292 of the POMK protein (p.Leu292Phe). The leucine residue is highly conserved and there is a small physicochemical difference between leucine and phenylalanine. This variant is not present in population databases (ExAC no frequency). This variant has not been reported in the literature in individuals with POMK-related conditions. Algorithms developed to predict the effect of missense changes on protein structure and function (SIFT, PolyPhen-2, Align-GVGD) all suggest that this variant is likely to be tolerated, but these predictions have not been confirmed by published functional studies and their clinical significance is uncertain. In summary, the available evidence is currently insufficient to determine the role of this variant in disease. Therefore, it has been classified as a Variant of Uncertain Significance.